The following is an entry in ClinVar:

NM_007294.4(BRCA1):c.213-9T>C

Gene: BRCA1 (BRCA1 DNA repair associated; minus strand). Cytogenetic location: 17q21.31.
Variant type: single nucleotide variant.
Coding change: c.213-9T>C on transcript NM_007294.4 (MANE Select); 9 bases into the intron before coding-DNA position 213, T replaced by C.
Molecular consequence: intron variant.
Genome position (GRCh38, 1-based): chr17:43,104,965, A>G on the plus strand (T>C on the coding strand, the complement: BRCA1 is on the minus strand). VCF-style: chr17-43104965-A-G. GRCh37 (hg19) VCF-style: chr17-41256982-A-G.
Other names: c.72-9T>C (NM_001408458.1, NM_001407931.1, NM_001407747.1 and 99 more transcripts); c.-218-10105T>C (NM_001407967.1, NM_001407966.1); c.-169-9T>C (NM_001407959.1, NM_001407962.1, NM_001408512.1 and 4 more transcripts); c.3-9T>C (NM_001407885.1, NM_001407886.1, NM_001407898.1 and 58 more transcripts); c.213-9T>C (NM_001407686.1, NM_001408397.1, NM_001407632.1 and 167 more transcripts); c.81-9T>C (NM_001408451.1); c.135-9T>C (NM_001408475.1, NM_001407875.1, NM_001407659.1 and 21 more transcripts).
Identifiers: ClinVar variation 867962 (VCV000867962.3), dbSNP rs2054700511, ClinGen allele CA916080858.

Conditions:
Breast-ovarian cancer, familial, susceptibility to, 1 (BROVCA1). Also called: BRCA1 Hereditary Breast and Ovarian Cancer; OVARIAN CANCER, SUSCEPTIBILITY TO. Identifiers: Orphanet 145, MedGen C2676676, MONDO:0011450, OMIM 604370. Disease mechanism: loss of function.

Submission:

Brotman Baty Institute, University of Washington
No classification provided (evidence only). Condition: Breast-ovarian cancer, familial 1. Review status: no classification provided. Collection method: in vitro. Allele origin: not applicable. Functional consequence: functionally_normal.
ClinVar note: "not provided" was previously submitted as the classification for the variant. However, the classification appeared to be based only on an observation of functional data so it was converted to no classification on 2025-07-30.